The following is an entry in ClinVar:

NC_000011.9:g.(?_68153764)_(68157540_?)del

Gene: LRP5 (LDL receptor related protein 5; plus strand). Cytogenetic location: 11q13.2.
Variant type: Deletion.
Identifiers: ClinVar variation 2424410 (VCV002424410.4).

ClinVar aggregate classification (germline): Pathogenic (1 of 4 stars; one submission).

Submission:

Labcorp Genetics (formerly Invitae), Labcorp
Classification: Pathogenic. Last evaluated: 2022-02-21. Review status: criteria provided, single submitter. Criteria: Invitae Variant Classification Sherloc (09022015). Collection method: clinical testing. Allele origin: germline.
Comment: For these reasons, this variant has been classified as Pathogenic. This variant has not been reported in the literature in individuals affected with LRP5-related conditions. This variant is a gross deletion of the genomic region encompassing exon(s) 6-7 of the LRP5 gene. This deletion is out-of-frame, and is expected to create a premature termination codon and result in an absent or disrupted protein product. Loss-of-function variants in LRP5 are known to be pathogenic (PMID: 11719191, 16252235, 25711638).

Literature cited by the submitters: PubMed 11719191; PubMed 16252235; PubMed 25711638.